The following is an entry in ClinVar:

ClinVar aggregate classification (germline): Pathogenic (1 of 4 stars; one submission).

Submission:

Labcorp Genetics (formerly Invitae), Labcorp
Classification: Pathogenic. Last evaluated: 2024-05-02. Review status: criteria provided, single submitter. Criteria: Invitae Variant Classification Sherloc (09022015). Collection method: clinical testing. Allele origin: germline.
Comment: This sequence change creates a premature translational stop signal (p.Trp37*) in the SFRP4 gene. It is expected to result in an absent or disrupted protein product. Loss-of-function variants in SFRP4 are known to be pathogenic (PMID: 27355534). This variant is not present in population databases (gnomAD no frequency). This variant has not been reported in the literature in individuals affected with SFRP4-related conditions. For these reasons, this variant has been classified as Pathogenic.

Literature cited by the submitters: PubMed 27355534.

NM_003014.4(SFRP4):c.111del (p.Pro36_Trp37insTer)

Gene: SFRP4 (secreted frizzled related protein 4; minus strand). Cytogenetic location: 7p14.1.
Variant type: Deletion.
Coding change: c.111del on transcript NM_003014.4 (MANE Select); coding-DNA position 111, one base deleted (G; older notation c.111delG).
Protein change: p.Pro36_Trp37insTer.
Molecular consequence: nonsense.
Genome position (GRCh38, 1-based): chr7:37,916,427, C deleted on the plus strand (G on the coding strand, the reverse complement: SFRP4 is on the minus strand); the first of 2 consecutive C bases (chr7:37,916,427-37,916,428); deleting either gives the same sequence. VCF-style (leftmost placement, unchanged base first): chr7-37916426-TC-T. GRCh37 (hg19) VCF-style: chr7-37956028-TC-T.
Identifiers: ClinVar variation 3686505 (VCV003686505.2).